The following is an entry in ClinVar:

NM_001348768.2(HECW2):c.1872T>A (p.Ser624Arg)

Gene: HECW2 (HECT, C2 and WW domain containing E3 ubiquitin protein ligase 2; minus strand). Cytogenetic location: 2q32.3.
Variant type: single nucleotide variant.
Coding change: c.1872T>A on transcript NM_001348768.2 (MANE Select); coding-DNA position 1872, T replaced by A.
Protein change: p.Ser624Arg; replaces serine 624 with arginine.
Molecular consequence: missense variant.
Genome position (GRCh38, 1-based): chr2:196,319,018, A>T on the plus strand (T>A on the coding strand, the complement: HECW2 is on the minus strand). VCF-style: chr2-196319018-A-T. GRCh37 (hg19) VCF-style: chr2-197183742-A-T.
Other names: c.804T>A, p.Ser268Arg (NM_001304840.3); c.1872T>A, p.Ser624Arg (NM_020760.4); short protein forms S268R, S624R.
Identifiers: ClinVar variation 4527545 (VCV004527545.1).

ClinVar aggregate classification (germline): Uncertain significance (1 of 4 stars; one submission).

gnomAD v4.1: 1 of 1,613,376 alleles (0.000062%); highest among the groups gnomAD compares: African/African-American, 0.0013%; no homozygotes.

Submission:

GeneDx
Classification: Uncertain significance. Last evaluated: 2025-04-26. Review status: criteria provided, single submitter. Criteria: GeneDx Variant Classification Process June 2021. Collection method: clinical testing. Allele origin: germline. Affected: yes.
Comment: Not observed at significant frequency in large population cohorts (gnomAD); In silico analysis indicates that this missense variant does not alter protein structure/function; Has not been previously published as pathogenic or benign to our knowledge